The following is an entry in ClinVar:

ClinVar aggregate classification (germline): Pathogenic (1 of 4 stars; one submission).

Conditions:
Familial cancer of breast. Also called: Hereditary breast cancer; BREAST CANCER, FAMILIAL; hereditary breast carcinoma. Identifiers: Orphanet 227535, MedGen C0346153, MONDO:0016419, OMIM 114480. Disease mechanism: loss of function.

Submission:

Myriad Genetics, Inc.
Classification: Pathogenic for Familial cancer of breast. Last evaluated: 2025-03-18. Review status: criteria provided, single submitter. Criteria: Myriad Autosomal Dominant, Autosomal Recessive and X-Linked Classification Criteria (2023). Collection method: clinical testing. Allele origin: unknown.
Comment: This variant is considered pathogenic. This variant creates a frameshift predicted to result in premature protein truncation.

NM_000051.4(ATM):c.7012_7013del (p.Leu2338fs)

Genes: ATM (ATM serine/threonine kinase; plus strand), C11orf65 (chromosome 11 open reading frame 65; minus strand). Cytogenetic location: 11q22.3.
Variant type: Deletion.
Coding change: c.7012_7013del on transcript NM_000051.4 (MANE Select); coding-DNA positions 7012 to 7013, 2 bases deleted (CT; older notation c.7012_7013delCT).
Protein change: p.Leu2338fs; shifts the reading frame from leucine 2338.
Molecular consequence: frameshift variant. On other transcripts: intron variant (2).
Genome position (GRCh38, 1-based): chr11:108,327,681-108,327,682, CT deleted; deleting any 2 consecutive bases within chr11:108,327,680-108,327,682 gives the same sequence; the c. name uses the placement nearest the transcript's 3' end. VCF-style (leftmost placement, unchanged base first): chr11-108327679-GTC-G. GRCh37 (hg19) VCF-style: chr11-108198406-GTC-G.
Other names: c.7012_7013del, p.Leu2338fs (NM_001351834.2); c.641-18610_641-18609del (NM_001330368.2); c.*38+7539_*38+7540del (NM_001351110.2); short protein forms L2338fs.
Identifiers: ClinVar variation 3904745 (VCV003904745.1).